The following is an entry in ClinVar:

ClinVar aggregate classification (germline): Uncertain significance. Review status: criteria provided, multiple submitters, no conflicts (2 of 4 stars). 2 submissions from 2 submitters: Uncertain significance (2). Last evaluated 2024-12-11.

Conditions:
CRYM-related disorder. Also called: CRYM-related condition.

Submissions (2):

PreventionGenetics, part of Exact Sciences
Classification: Uncertain significance for CRYM-related condition. Last evaluated: 2024-12-11. Review status: criteria provided, single submitter. Criteria: ACMG Guidelines, 2015. Collection method: clinical testing. Allele origin: germline.
Comment: The CRYM c.799G>A variant is predicted to result in the amino acid substitution p.Glu267Lys. To our knowledge, this variant has not been reported in the literature. This variant is reported in 0.0098% of alleles in individuals of South Asian descent in gnomAD. At this time, the clinical significance of this variant is uncertain due to the absence of conclusive functional and genetic evidence.

Blueprint Genetics
Classification: Uncertain significance. Last evaluated: 2018-05-04. Review status: criteria provided, single submitter. Criteria: ACMG Guidelines, 2015. Collection method: clinical testing. Allele origin: germline.

NM_001376256.1(CRYM):c.799G>A (p.Glu267Lys)

Gene: CRYM (crystallin mu; minus strand). Cytogenetic location: 16p12.2.
Variant type: single nucleotide variant.
Coding change: c.799G>A on transcript NM_001376256.1 (MANE Select); coding-DNA position 799, G replaced by A.
Protein change: p.Glu267Lys; replaces glutamic acid 267 with lysine.
Molecular consequence: missense variant.
Genome position (GRCh38, 1-based): chr16:21,261,335, C>T on the plus strand (G>A on the coding strand, the complement: CRYM is on the minus strand). VCF-style: chr16-21261335-C-T. GRCh37 (hg19) VCF-style: chr16-21272656-C-T.
Other names: c.799G>A (NM_001888.4); c.799G>A, p.Glu267Lys (NM_001888.5); short protein forms E267K.
Identifiers: ClinVar variation 4928892 (VCV004928892.2).